The following is an entry in ClinVar:

ClinVar aggregate classification (germline): Uncertain significance. Review status: criteria provided, multiple submitters, no conflicts (2 of 4 stars). 2 submissions from 2 submitters: Uncertain significance (2). Last evaluated 2023-07-19.

Conditions:
TPRN-related disorder. Also called: TPRN-related condition.

Submissions (2):

PreventionGenetics, part of Exact Sciences
Classification: Uncertain significance for TPRN-related condition. Last evaluated: 2023-07-19. Review status: criteria provided, single submitter. Criteria: ACMG Guidelines, 2015. Collection method: clinical testing. Allele origin: germline.
Comment: The TPRN c.1827_1844dup18 variant is predicted to result in an in-frame duplication (p.Glu616_Glu621dup). To our knowledge, this variant has not been reported in the literature or in a large population database, indicating this variant is rare. At this time, the clinical significance of this variant is uncertain due to the absence of conclusive functional and genetic evidence.

Labcorp Genetics (formerly Invitae), Labcorp
Classification: Uncertain significance. Last evaluated: 2022-07-21. Review status: criteria provided, single submitter. Criteria: Invitae Variant Classification Sherloc (09022015). Collection method: clinical testing. Allele origin: germline.
Comment: In summary, the available evidence is currently insufficient to determine the role of this variant in disease. Therefore, it has been classified as a Variant of Uncertain Significance. Experimental studies and prediction algorithms are not available or were not evaluated, and the functional significance of this variant is currently unknown. This variant has not been reported in the literature in individuals affected with TPRN-related conditions. This variant is not present in population databases (gnomAD no frequency). This variant, c.1827_1844dup, results in the insertion of 6 amino acid(s) of the TPRN protein (p.Glu616_Glu621dup), but otherwise preserves the integrity of the reading frame.

NM_001128228.3(TPRN):c.1818GGA[15] (p.Glu621_Gly622insGluGluGluGluGluGlu)

Gene: TPRN (taperin; minus strand). Cytogenetic location: 9q34.3.
Variant type: Microsatellite.
Coding change: c.1818GGA[15] on transcript NM_001128228.3 (MANE Select); 15 copies in a row of the 3-base unit GGA starting at c.1818; the reference has nine copies in a row; six copies, 18 bases duplicated.
Protein change: p.Glu621_Gly622insGluGluGluGluGluGlu.
Molecular consequence: inframe insertion.
Genome position (GRCh38, 1-based): chr9:137,192,573-137,192,590, TCCTCCTCCTCCTCCTCC duplicated on the plus strand (GGAGGAGGAGGAGGAGGA on the coding strand, the reverse complement: TPRN is on the minus strand); duplicating any 18 consecutive bases within chr9:137,192,573-137,192,600 gives the same sequence; the position shown is the placement nearest the transcript's 3' end. VCF-style (leftmost placement, unchanged base first): chr9-137192572-T-TTCCTCCTCCTCCTCCTCC. GRCh37 (hg19) VCF-style: chr9-140087024-T-TTCCTCCTCCTCCTCCTCC.
Other names: c.1827_1844dup18 (NM_001128228.2).
Identifiers: ClinVar variation 2196640 (VCV002196640.5), dbSNP rs376810326, ClinGen allele CA861146197.